The following is an entry in ClinVar:

NM_033380.3(COL4A5):c.1032+3_1032+6del

Gene: COL4A5 (collagen type IV alpha 5 chain; plus strand). Cytogenetic location: Xq22.3.
Variant type: Deletion.
Coding change: c.1032+3_1032+6del on transcript NM_033380.3 (MANE Select); bases 3 to 6 of the intron after coding-DNA position 1032, 4 bases deleted (AAGT; older notation c.1032+3_1032+6delAAGT).
Molecular consequence: splice donor variant.
Genome position (GRCh38, 1-based): chrX:108,584,528-108,584,531, AAGT deleted; deleting any 4 consecutive bases within chrX:108,584,526-108,584,531 gives the same sequence; the c. name uses the placement nearest the transcript's 3' end. VCF-style (leftmost placement, unchanged base first): chrX-108584525-TGTAA-T. GRCh37 (hg19) VCF-style: chrX-107827755-TGTAA-T.
Other names: c.1032+3_1032+6del (NM_000495.5).
Identifiers: ClinVar variation 24356 (VCV000024356.14), dbSNP rs104886314, ClinGen allele CA258388.

ClinVar aggregate classification (germline): Conflicting classifications of pathogenicity. Review status: criteria provided, conflicting classifications (1 of 4 stars). 4 submissions from 4 submitters: Pathogenic (1); Likely pathogenic (2); Uncertain significance (1). Last evaluated 2026-07-13.

Conditions:
Inborn genetic diseases. Identifiers: MedGen C0950123, MeSH D030342.
X-linked Alport syndrome (ATS1). Also called: COL4A5-Related Nephropathy; NEPHROPATHY AND DEAFNESS, X-LINKED. Identifiers: Orphanet 63, Orphanet 88917, MedGen C4746986, MONDO:0010520, OMIM 301050.

Submissions (4):

Centre de Génétique Humaine, Institut de Pathologie Et de Génétique
Classification: Likely pathogenic for X-linked Alport syndrome. Last evaluated: 2026-07-13. Review status: criteria provided, single submitter. Criteria: ACMG Guidelines, 2015. Collection method: clinical testing. Allele origin: germline. Inheritance: X-linked dominant inheritance. Affected: yes. Observed: 1 variant allele, 1 hemizygote. Segregation with disease not observed.
Comment: Variant located near of the canonical donor splice site of intron 18. This variant is rare: absent in gnomAD v4.1.0 database (PM2). In silico splice site analysis predicts loss of splice donor site (PP3). Analysis of the transcript using minigene assay confirmed the skipping of exon 18, resulting in a inframe deletion of 14 residues in collagenous region, PMID: 41090128 (PS3). Described in patients with X-linked AS including cosegregation data in a large family PMID: 41090128 (PP1, PP5)

Labcorp Genetics (formerly Invitae), Labcorp
Classification: Pathogenic. Last evaluated: 2025-07-23. Review status: criteria provided, single submitter. Criteria: Invitae Variant Classification Sherloc (09022015). Collection method: clinical testing. Allele origin: germline.
Comment: This sequence change falls in intron 18 of the COL4A5 gene. It does not directly change the encoded amino acid sequence of the COL4A5 protein. RNA analysis indicates that this variant induces altered splicing and likely results in a shortened protein product. This variant is not present in population databases (gnomAD no frequency). This variant has been observed in individuals with X-linked Alport syndrome (PMID: 8940267, 29959198; internal data). This variant is also known as 1234+3delAAGT. ClinVar contains an entry for this variant (Variation ID: 24356). Variants that disrupt the consensus splice site are a relatively common cause of aberrant splicing (PMID: 17576681, 9536098). Studies have shown that this variant results in skipping of exon 18, but is expected to preserve the integrity of the reading-frame (PMID: 29959198). For these reasons, this variant has been classified as Pathogenic.

Ambry Genetics
Classification: Uncertain significance for Inborn genetic diseases. Last evaluated: 2023-04-24. Review status: criteria provided, single submitter. Criteria: Ambry Variant Classification Scheme 2023. Collection method: clinical testing. Allele origin: germline.
Comment: The c.1032+3_1032+6delAAGT intronic variant begins 3 nucleotides after coding exon 18 in the COL4A5 gene. This variant results from a deletion of 4 nucleotides at positions c.1032+3 to c.1032+6. This variant was not reported in population-based cohorts in the Genome Aggregation Database (gnomAD). This variant has been reported in individuals with clinical features of COL4A5-related Alport syndrome (Knebelmann, 1996; Horinouchi, 2018; external communication). This nucleotide position is well conserved in available vertebrate species. RT-PCR analysis of this variant has shown a disruption of the splice donor site of intron 18, resulting in exon 18 skipping, which creates a transcript with an in-frame deletion of 42 base pairs (Horinouchi, 2018). In silico splice site analysis predicts that this alteration will weaken the native splice donor site. Based on insufficient or conflicting evidence, the clinical significance of this alteration remains unclear.

Petrovsky National Research Centre of Surgery, The Federal Agency for Scientific Organizations
Classification: Likely pathogenic. Last evaluated: 2020-11-25. Review status: criteria provided, single submitter. Criteria: ACMG Guidelines, 2015. Collection method: clinical testing. Allele origin: maternal. Inheritance: X-linked recessive inheritance. Affected: yes. Observed: 1 hemizygote.
Comment: To our knowledge, the c.1032+3_1032+6del variant is absent from large population studies, which makes it rare (PM2 criteria). According to in silico splice site prediction tools (PP3), this variant alters canonical splice sites, therefore, leading to the changes in protein length (PM4). The phenotype of our patient and his family history are highly illustrative (PP4). The mode of inheritance is X-linked recessive, with severe clinical symptoms in men and relatively mild symptoms of kidney disorder in women. Additionally, this variant was previously reported as Pathogenic, though no functional studies are available to date (PP5). Because of the combination of listed criteria we classify the c.1032+3_1032+6del variant as likely pathogenic.

Literature cited by the submitters: PubMed 8940267 (cited by 3 submitters); PubMed 29959198 (cited by 3 submitters); PubMed 37100867 (cited by Centre de Génétique Humaine, Institut de Pathologie Et de Génétique); PubMed 41090128 (cited by Centre de Génétique Humaine, Institut de Pathologie Et de Génétique); PubMed 17576681 (cited by Labcorp Genetics (formerly Invitae), Labcorp); PubMed 9536098 (cited by Labcorp Genetics (formerly Invitae), Labcorp); DOI 10.24411/2308-1198-2019-11002 (cited by Petrovsky National Research Centre of Surgery, The Federal Agency for Scientific Organizations).